The following is an entry in ClinVar:

NM_001673.5(ASNS):c.1592A>G (p.Asp531Gly)

Genes: ASNS (asparagine synthetase (glutamine-hydrolyzing); minus strand), CZ1P-ASNS (CZ1P-ASNS readthrough; minus strand). Cytogenetic location: 7q21.3.
Variant type: single nucleotide variant.
Coding change: c.1592A>G on transcript NM_001673.5 (MANE Select); coding-DNA position 1592, A replaced by G.
Protein change: p.Asp531Gly; replaces aspartic acid 531 with glycine.
Molecular consequence: missense variant. On other transcripts: non-coding transcript variant (1).
Genome position (GRCh38, 1-based): chr7:97,852,353, T>C on the plus strand (A>G on the coding strand, the complement: ASNS is on the minus strand). VCF-style: chr7-97852353-T-C. GRCh37 (hg19) VCF-style: chr7-97481665-T-C.
Other names: c.1529A>G, p.Asp510Gly (NM_001178075.2); c.1343A>G, p.Asp448Gly (NM_001178076.2, NM_001178077.1); c.1592A>G, p.Asp531Gly (NM_001352496.2, NM_133436.3, NM_183356.4); short protein forms D448G, D510G, D531G.
Identifiers: ClinVar variation 1958884 (VCV001958884.2), dbSNP rs993460441, ClinGen allele CA163026332.

ClinVar aggregate classification (germline): Uncertain significance (1 of 4 stars; one submission).

Allele frequency attached by ClinVar (database versions not stated): gnomAD exomes below 0.00001; TOPMed 0.00001.
gnomAD v4.1: 2 of 1,614,188 alleles (0.00012%); highest among the groups gnomAD compares: Non-Finnish European, 0.00017%; no homozygotes.

Submission:

Labcorp Genetics (formerly Invitae), Labcorp
Classification: Uncertain significance. Last evaluated: 2022-03-09. Review status: criteria provided, single submitter. Criteria: Invitae Variant Classification Sherloc (09022015). Collection method: clinical testing. Allele origin: germline.
Comment: This sequence change replaces aspartic acid, which is acidic and polar, with glycine, which is neutral and non-polar, at codon 531 of the ASNS protein (p.Asp531Gly). This variant is not present in population databases (gnomAD no frequency). This variant has not been reported in the literature in individuals affected with ASNS-related conditions. Advanced modeling of protein sequence and biophysical properties (such as structural, functional, and spatial information, amino acid conservation, physicochemical variation, residue mobility, and thermodynamic stability) performed at Invitae indicates that this missense variant is not expected to disrupt ASNS protein function. In summary, the available evidence is currently insufficient to determine the role of this variant in disease. Therefore, it has been classified as a Variant of Uncertain Significance.